The following is an entry in ClinVar:

ClinVar aggregate classification (germline): Uncertain significance (1 of 4 stars; one submission).

Conditions:
Early Myoclonic Encephalopathy. Identifiers: MedGen C0270855.

Submission:

Labcorp Genetics (formerly Invitae), Labcorp
Classification: Uncertain significance for Early Myoclonic Encephalopathy. Last evaluated: 2023-01-15. Review status: criteria provided, single submitter. Criteria: Invitae Variant Classification Sherloc (09022015). Collection method: clinical testing. Allele origin: germline.
Comment: In summary, the available evidence is currently insufficient to determine the role of this variant in disease. Therefore, it has been classified as a Variant of Uncertain Significance. Algorithms developed to predict the effect of missense changes on protein structure and function are either unavailable or do not agree on the potential impact of this missense change (SIFT: "Deleterious"; PolyPhen-2: "Probably Damaging"; Align-GVGD: "Class C0"). This variant has not been reported in the literature in individuals affected with JMJD1C-related conditions. This variant is present in population databases (rs760250621, gnomAD 0.007%). This sequence change replaces arginine, which is basic and polar, with proline, which is neutral and non-polar, at codon 337 of the JMJD1C protein (p.Arg337Pro).

NM_032776.3(JMJD1C):c.1010G>C (p.Arg337Pro)

Gene: JMJD1C (jumonji domain containing 1C; minus strand). Cytogenetic location: 10q21.3.
Variant type: single nucleotide variant.
Coding change: c.1010G>C on transcript NM_032776.3 (MANE Select); coding-DNA position 1010, G replaced by C.
Protein change: p.Arg337Pro; replaces arginine 337 with proline.
Molecular consequence: missense variant. On other transcripts: non-coding transcript variant (1).
Genome position (GRCh38, 1-based): chr10:63,215,268, C>G on the plus strand (G>C on the coding strand, the complement: JMJD1C is on the minus strand). VCF-style: chr10-63215268-C-G. GRCh37 (hg19) VCF-style: chr10-64975028-C-G.
Other names: c.464G>C, p.Arg155Pro (NM_001282948.2, NM_001318154.2); c.146G>C, p.Arg49Pro (NM_001318153.2); c.896G>C, p.Arg299Pro (NM_001322252.2); c.353G>C, p.Arg118Pro (NM_001322254.2, NM_001322258.2); short protein forms R118P, R49P, R299P, R155P, R337P.
Identifiers: ClinVar variation 2724722 (VCV002724722.3), dbSNP rs760250621, ClinGen allele CA5518899.